The following is an entry in ClinVar:

ClinVar aggregate classification (germline): Pathogenic (1 of 4 stars; one submission).

Conditions:
Hypertrophic cardiomyopathy 26. Also called: Cardiomyopathy, familial hypertrophic, 26. Identifiers: Orphanet 75249, MedGen C4310749, MONDO:0014883, OMIM 617047.
Myofibrillar myopathy 5. Also called: FILAMINOPATHY, AUTOSOMAL DOMINANT; Filaminopathy (type). Identifiers: Orphanet 171445, MedGen C1836050, MONDO:0012289, OMIM 609524.
Distal myopathy with posterior leg and anterior hand involvement. Also called: WILLIAMS DISTAL MYOPATHY. Identifiers: Orphanet 63273, MedGen C3279722, MONDO:0013550, OMIM 614065.

Submission:

Labcorp Genetics (formerly Invitae), Labcorp
Classification: Pathogenic for Distal myopathy with posterior leg and anterior hand involvement; Myofibrillar myopathy 5; Hypertrophic cardiomyopathy 26. Last evaluated: 2024-03-28. Review status: criteria provided, single submitter. Criteria: Invitae Variant Classification Sherloc (09022015). Collection method: clinical testing. Allele origin: germline.
Comment: This sequence change creates a premature translational stop signal (p.Tyr2455*) in the FLNC gene. It is expected to result in an absent or disrupted protein product. Loss-of-function variants in FLNC are known to be pathogenic (PMID: 27908349). This variant is not present in population databases (gnomAD no frequency). This variant has not been reported in the literature in individuals affected with FLNC-related conditions. ClinVar contains an entry for this variant (Variation ID: 651699). For these reasons, this variant has been classified as Pathogenic.

Literature cited by the submitters: PubMed 27908349.

NM_001458.5(FLNC):c.7365C>A (p.Tyr2455Ter)

Genes: FLNC (filamin C; plus strand), FLNC-AS1 (FLNC antisense RNA 1; minus strand). Cytogenetic location: 7q32.1.
Variant type: single nucleotide variant.
Coding change: c.7365C>A on transcript NM_001458.5 (MANE Select); coding-DNA position 7365, C replaced by A.
Protein change: p.Tyr2455Ter; replaces tyrosine 2455 with a stop codon.
Molecular consequence: nonsense.
Genome position (GRCh38, 1-based): chr7:128,856,631, C>A. VCF-style: chr7-128856631-C-A. GRCh37 (hg19) VCF-style: chr7-128496685-C-A.
Other names: c.7266C>A, p.Tyr2422Ter (NM_001127487.2); short protein forms Y2422*, Y2455*.
Identifiers: ClinVar variation 651699 (VCV000651699.7), dbSNP rs540386120, ClinGen allele CA369217005.